The following continues an entry in ClinVar:

NM_000492.4(CFTR):c.1766+5G>T

Gene: CFTR. ClinVar aggregate classification (germline): Pathogenic. Pathogenic (1).

Submissions 9 to 20 of 20:

ARUP Laboratories, Molecular Genetics and Genomics, ARUP Laboratories
Classification: Pathogenic. Last evaluated: 2023-11-27. Review status: criteria provided, single submitter. Criteria: ARUP Molecular Germline Variant Investigation Process 2024. Collection method: clinical testing. Allele origin: germline. Not counted in ClinVar's aggregate classification.
Comment: The CFTR c.1766+5G>T variant (rs121908796), also known as 1898+5G>T, is reported in the literature in the homozygous or compound heterozygous state in multiple individuals affected with cystic fibrosis, and is a common variant in East Asian patients (Chen 2012, Liu 2015, Shen 2016, Sontag 2005, Xu 2017). This variant is reported in ClinVar (Variation ID: 48685), and is only observed on eight alleles in the Genome Aggregation Database, indicating it is not a common polymorphism. This is an intronic variant in a highly conserved nucleotide, and computational analyses (Alamut Visual Plus v.1.5.1) predict that this variant may impact splicing by weakening the nearby canonical donor splice site. In vitro functional assays show that this variant results in skipping of exon 12 (Raynal 2013). Based on available information, this variant is considered to be pathogenic. References: Chen CH et al. Acute appendicitis mimicking intestinal obstruction in a patient with cystic fibrosis. J Formos Med Assoc. 2012;111(10):580-583. PMID: 23089694. Liu Y et al. Characterization of gene mutations and phenotypes of cystic fibrosis in Chinese patients. Respirology. 2015;20(2):312-318. PMID: 25580864. Raynal C et al. A classification model relative to splicing for variants of unknown clinical significance: application to the CFTR gene. Hum Mutat. 2013;34(5):774-784. PMID: 23381846. Shen Y et al. Clinical Phenotypes and Genotypic Spectrum of Cystic Fibrosis in Chinese Children. J Pediatr. 2016;171:269-76.e1. PMID: 26826884. Sontag MK et al. Two-tiered immunoreactive trypsinogen-based newborn screening for cystic fibrosis in Colorado: screening efficacy and diagnostic outcomes. J Pediatr. 2005;147(3 Suppl):S83-S88. PMID: 16202790. Xu J et al. Four case reports of Chinese cystic fibrosis patients and literature review. Pediatr Pulmonol. 2017;52(8):1020-1028. PMID: 28608624.

PreventionGenetics, part of Exact Sciences
Classification: Pathogenic for CFTR-related condition. Last evaluated: 2023-09-30. Review status: criteria provided, single submitter. Criteria: ACMG Guidelines, 2015. Collection method: clinical testing. Allele origin: germline. Not counted in ClinVar's aggregate classification.
Comment: The CFTR c.1766+5G>T variant is predicted to interfere with splicing. This variant, also referred to as c.1898+5G>A using legacy nomenclature, has been reported in the homozygous and compound heterozygous state in patients with cystic fibrosis (Zielenski et al 1995. PubMed ID: 7543385; Castellani C et al 2008. PubMed ID: 18456578; Shen Y et al 2020. PubMed ID: 32761997 ). Another substitution at this same nucleotide position, c.1766+5G>A, has also been reported as causative for cystic fibrosis (des Georges et al 2004. PubMed ID: 15698946; Raynal C et al 2013. PubMed ID: 23381846). Both variants have been reported to result in exon 12 skipping due to alteration of splicing at the exon 12/intron 12 boundary region (Zielenski et al 1995. PubMed ID: 7543385; Raynal C et al 2013. PubMed ID: 23381846). This variant is reported in 0.040% of alleles in individuals of East Asian descent in gnomAD. This variant is interpreted as pathogenic.

Myriad Genetics, Inc.
Classification: Likely pathogenic for Cystic fibrosis. Last evaluated: 2019-12-04. Review status: criteria provided, single submitter. Criteria: Myriad Women's Health Autosomal Recessive and X-Linked Classification Criteria (2019). Collection method: clinical testing. Allele origin: unknown. Not counted in ClinVar's aggregate classification.
Comment: NM_000492.3(CFTR):c.1766+5G>T(aka 1898+5G>T) is classified as likely pathogenic in the context of cystic fibrosis. Sources cited for classification include the following: PMID 23089694, 8213163, 25580864, 16202790, 7543385, 23381846, 12874665 and 18456578. Classification of NM_000492.3(CFTR):c.1766+5G>T(aka 1898+5G>T) is based on the following criteria: This variant has been observed more frequently in patients with clinical diagnoses than in healthy populations. Please note: this variant was assessed in the context of healthy population screening.

Johns Hopkins Genomics, Johns Hopkins University
Classification: Pathogenic for Cystic fibrosis. Last evaluated: 2019-10-16. Review status: criteria provided, single submitter. Criteria: ACMG Guidelines, 2015. Collection method: clinical testing. Allele origin: germline. Not counted in ClinVar's aggregate classification.
Comment: Disease-causing CFTR variant. See CFTR2 for phenotype information.

CFTR-France
Classification: Pathogenic for cystic fibrosis. Last evaluated: 2018-01-29. Review status: criteria provided, single submitter. Criteria: Claustres M et al. (Hum Mutat 2017). Collection method: curation. Allele origin: germline. Affected: yes. Not counted in ClinVar's aggregate classification.

Laboratory for Molecular Medicine, Mass General Brigham Personalized Medicine
Classification: Likely pathogenic for Cystic fibrosis. Last evaluated: 2017-02-10. Review status: criteria provided, single submitter. Criteria: LMM Criteria. Collection method: clinical testing. Allele origin: germline. Inheritance: Autosomal recessive inheritance. Observed: 1 variant allele. Not counted in ClinVar's aggregate classification.
Comment: The c.1766+5G>T (NM_000492.3 c.1766+5G>T) variant in CFTR has been reported in 1 homozygous and 3 compound heterozygous Asian individuals with clinical features of cystic fibrosis (Zielenski 1995, Leung 2016, Shen 2016). This variant has be en identified in 0.023% (2/8,562) of East Asian chromosomes by the Exome Aggrega tion Consortium (ExAC; dbSNP rs121908796). This variant is located in the 3' splice region. Computational tools suggest a possib le impact to splicing consistent with the +5 position being predominantly a G nu cleotide. In summary, the clinical significance of the c.1766+5G>T variant is li kely pathogenic based upon biallelic case observations, suggestive splicing impa ct and low frequency in the general population.

Baylor Genetics
Classification: Pathogenic for Congenital bilateral aplasia of vas deferens from CFTR mutation; Cystic fibrosis. Review status: criteria provided, single submitter. Criteria: ACMG Guidelines, 2015. Collection method: clinical testing. Allele origin: germline. Not counted in ClinVar's aggregate classification.

Juno Genomics, Hangzhou Juno Genomics, Inc
Classification: Pathogenic for Congenital bilateral aplasia of vas deferens from CFTR mutation; Cystic fibrosis; Bronchiectasis with or without elevated sweat chloride 1; Hereditary pancreatitis. Review status: criteria provided, single submitter. Criteria: ACMG Guidelines, 2015. Collection method: clinical testing. Allele origin: germline. Affected: yes. Not counted in ClinVar's aggregate classification.
Comment: Absent from controls (or at extremely low frequency if recessive) in Genome Aggregation Database, Exome Sequencing Project, 1000 Genomes Project, or Exome Aggregation Consortium.;For recessive disorders, detected in trans with a pathogenic variant.;Patient's phenotype or family history is highly specific for a disease with a single genetic etiology.;Well-established in vitro or in vivo functional studies supportive of a damaging effect on the gene or gene product.

Department of Urology, First Affiliated Hospital of Nanjing Medical University
Classification: Pathogenic for Cystic fibrosis. Last evaluated: 2023-12-25. Review status: no assertion criteria provided. Collection method: clinical testing. Allele origin: paternal. Affected: yes. Observed: 1 variant allele. Not counted in ClinVar's aggregate classification.

Clinical Genetics DNA and cytogenetics Diagnostics Lab, Erasmus MC, Erasmus Medical Center
Classification: Pathogenic. Review status: no assertion criteria provided. Collection method: clinical testing. Allele origin: germline. Affected: yes. Study: VKGL Data-share Consensus. Not counted in ClinVar's aggregate classification.

Diagnostic Laboratory, Department of Genetics, University Medical Center Groningen
Classification: Pathogenic. Review status: no assertion criteria provided. Collection method: clinical testing. Allele origin: germline. Affected: yes. Study: VKGL Data-share Consensus. Not counted in ClinVar's aggregate classification.

Genome Diagnostics Laboratory, University Medical Center Utrecht
Classification: Pathogenic. Review status: no assertion criteria provided. Collection method: clinical testing. Allele origin: germline. Affected: yes. Study: VKGL Data-share Consensus. Not counted in ClinVar's aggregate classification.

Literature cited by the submitters: PubMed 7543385 (cited by 5 submitters); PubMed 10925568 (cited by Labcorp Genetics (formerly Invitae), Labcorp); PubMed 12874665 (cited by 4 submitters); PubMed 18456578 (cited by Labcorp Genetics (formerly Invitae), Labcorp and Myriad Genetics, Inc.); PubMed 17576681 (cited by Labcorp Genetics (formerly Invitae), Labcorp); PubMed 9536098 (cited by Labcorp Genetics (formerly Invitae), Labcorp); PubMed 23381846 (cited by 3 submitters); PubMed 28116329 (cited by Natera, Inc.); PubMed 25580864 (cited by Women's Health and Genetics/Laboratory Corporation of America, LabCorp and Myriad Genetics, Inc.); PubMed 8825494 (cited by Ambry Genetics); PubMed 23089694 (cited by Myriad Genetics, Inc.); PubMed 8213163 (cited by Myriad Genetics, Inc.); PubMed 16202790 (cited by Myriad Genetics, Inc.); PubMed 26826884 (cited by Laboratory for Molecular Medicine, Mass General Brigham Personalized Medicine).